The following is an entry in ClinVar:

NM_000089.4(COL1A2):c.2674-3T>G

Gene: COL1A2 (collagen type I alpha 2 chain; plus strand). Cytogenetic location: 7q21.3.
Variant type: single nucleotide variant.
Coding change: c.2674-3T>G on transcript NM_000089.4 (MANE Select); 3 bases into the intron before coding-DNA position 2674, T replaced by G.
Molecular consequence: intron variant.
Genome position (GRCh38, 1-based): chr7:94,425,114, T>G. VCF-style: chr7-94425114-T-G. GRCh37 (hg19) VCF-style: chr7-94054426-T-G.
Identifiers: ClinVar variation 835669 (VCV000835669.1), dbSNP rs72659303, ClinGen allele CA162939345.
Genomic context (GRCh38, chr7:94,425,114, plus strand): 5'-GAGGGGAAGGTTAGCATTCCATCGAATAAGGGGAATGTCATTTTATCTTCTCTGCCTGTT[T>G]AGGGTGAACCTGGTCCTCTTGGCATTGCCGGCCCTCCTGGGGCCCGTGGTCCTCCTGGTG-3'

ClinVar aggregate classification (germline): Pathogenic (1 of 4 stars; one submission).

Conditions:
Ehlers-Danlos syndrome, classic type (cEDS). Identifiers: Orphanet 287, MedGen C4225429, MONDO:0007522.
Osteogenesis imperfecta type I (OI1). Also called: Lobstein's Disease; OI, TYPE I; OSTEOGENESIS IMPERFECTA TARDA; OSTEOGENESIS IMPERFECTA WITH BLUE SCLERAE; Osteogenesis imperfecta type 1; Lobstein disease. Identifiers: Orphanet 216796, Orphanet 666, MedGen C0023931, MONDO:0008146, OMIM 166200. Disease mechanism: loss of function.

Submission:

Labcorp Genetics (formerly Invitae), Labcorp
Classification: Pathogenic for Osteogenesis imperfecta type I; Ehlers-Danlos syndrome, type 1. Last evaluated: 2019-04-01. Review status: criteria provided, single submitter. Criteria: Invitae Variant Classification Sherloc (09022015). Collection method: clinical testing. Allele origin: germline.
Comment: This sequence change falls in intron 41 of the COL1A2 gene. It does not directly change the encoded amino acid sequence of the COL1A2 protein, but it affects a nucleotide within the consensus splice site of the intron. This variant is not present in population databases (ExAC no frequency). This variant has been observed in individuals affected with osteogenesis imperfecta type 2 (PMID: 17078022, Invitae), of which it has been observed de novo in at least one individual (Invitae). Nucleotide substitutions within the consensus splice site are a relatively common cause of aberrant splicing (PMID: 17576681, 9536098). Algorithms developed to predict the effect of sequence changes on RNA splicing suggest that this variant may disrupt the consensus splice site, but this prediction has not been confirmed by published transcriptional studies. For these reasons, this variant has been classified as Pathogenic.

Literature cited by the submitters: PubMed 17078022.